The following is an entry in ClinVar:

ClinVar aggregate classification (germline): Uncertain significance (1 of 4 stars; one submission).

Submission:

Labcorp Genetics (formerly Invitae), Labcorp
Classification: Uncertain significance. Last evaluated: 2024-02-24. Review status: criteria provided, single submitter. Criteria: Invitae Variant Classification Sherloc (09022015). Collection method: clinical testing. Allele origin: germline.
Comment: This sequence change replaces tyrosine, which is neutral and polar, with cysteine, which is neutral and slightly polar, at codon 1889 of the POLE protein (p.Tyr1889Cys). This variant is not present in population databases (gnomAD no frequency). This variant has not been reported in the literature in individuals affected with POLE-related conditions. ClinVar contains an entry for this variant (Variation ID: 1044958). Advanced modeling of protein sequence and biophysical properties (such as structural, functional, and spatial information, amino acid conservation, physicochemical variation, residue mobility, and thermodynamic stability) performed at Invitae indicates that this missense variant is not expected to disrupt POLE protein function with a negative predictive value of 80%. In summary, the available evidence is currently insufficient to determine the role of this variant in disease. Therefore, it has been classified as a Variant of Uncertain Significance.

NM_006231.4(POLE):c.5666A>G (p.Tyr1889Cys)

Gene: POLE (DNA polymerase epsilon, catalytic subunit; minus strand). Cytogenetic location: 12q24.33.
Variant type: single nucleotide variant.
Coding change: c.5666A>G on transcript NM_006231.4 (MANE Select); coding-DNA position 5666, A replaced by G.
Protein change: p.Tyr1889Cys; replaces tyrosine 1889 with cysteine.
Molecular consequence: missense variant.
Genome position (GRCh38, 1-based): chr12:132,638,026, T>C on the plus strand (A>G on the coding strand, the complement: POLE is on the minus strand). VCF-style: chr12-132638026-T-C. GRCh37 (hg19) VCF-style: chr12-133214612-T-C.
Other names: short protein forms Y1889C.
Identifiers: ClinVar variation 1044958 (VCV001044958.7), dbSNP rs2042068462, ClinGen allele CA387373924.